The following is an entry in ClinVar:

NM_002834.5(PTPN11):c.18del (p.Trp6fs)

Gene: PTPN11 (protein tyrosine phosphatase non-receptor type 11; plus strand). Cytogenetic location: 12q24.13.
Variant type: Deletion.
Coding change: c.18del on transcript NM_002834.5 (MANE Select); coding-DNA position 18, one base deleted (G; older notation c.18delG).
Protein change: p.Trp6fs; shifts the reading frame from tryptophan 6.
Molecular consequence: frameshift variant.
Genome position (GRCh38, 1-based): chr12:112,446,279, G deleted; the last of 2 consecutive G bases (chr12:112,446,278-112,446,279); deleting either gives the same sequence. VCF-style (leftmost placement, unchanged base first): chr12-112446277-TG-T. GRCh37 (hg19) VCF-style: chr12-112884081-TG-T.
Other names: c.18del, p.Trp6fs (NM_001330437.2, NM_001374625.1, NM_080601.3); short protein forms W6fs.
Identifiers: ClinVar variation 1435208 (VCV001435208.6), dbSNP rs2135856266, ClinGen allele CA2573148012.

ClinVar aggregate classification (germline): Pathogenic (1 of 4 stars; one submission).

Conditions:
RASopathy. Also called: rasopathies; Noonan spectrum disorder. Identifiers: Orphanet 536391, MedGen C5555857, MONDO:0021060.

Submission:

Labcorp Genetics (formerly Invitae), Labcorp
Classification: Pathogenic for RASopathy. Last evaluated: 2022-06-13. Review status: criteria provided, single submitter. Criteria: Invitae Variant Classification Sherloc (09022015). Collection method: clinical testing. Allele origin: germline.
Comment: For these reasons, this variant has been classified as Pathogenic. This variant has not been reported in the literature in individuals affected with PTPN11-related conditions. This variant is not present in population databases (gnomAD no frequency). This sequence change creates a premature translational stop signal (p.Trp6Cysfs*16) in the PTPN11 gene. It is expected to result in an absent or disrupted protein product. Loss-of-function variants in PTPN11 are known to be pathogenic (PMID: 20577567, 21533187).

Literature cited by the submitters: PubMed 20577567; PubMed 21533187.